The following is an entry in ClinVar:

NM_001079802.2(FKTN):c.-88-268_-88-266del

Gene: FKTN (fukutin; plus strand). Cytogenetic location: 9q31.2.
Variant type: Microsatellite.
Coding change: c.-88-268_-88-266del on transcript NM_001079802.2 (MANE Select); 268 bases into the intron before 88 bases upstream of the start codon through 266 bases into the intron before 88 bases upstream of the start codon, 3 bases deleted (GAG; older notation c.-88-268_-88-266delGAG).
Molecular consequence: intron variant.
Genome position (GRCh38, 1-based): chr9:105,574,677-105,574,679, GAG deleted; deleting any 3 consecutive bases within chr9:105,574,673-105,574,679 gives the same sequence; the c. name uses the placement nearest the transcript's 3' end. VCF-style (leftmost placement, unchanged base first): chr9-105574672-TGGA-T. GRCh37 (hg19) VCF-style: chr9-108336953-TGGA-T.
Other names: c.-88-268_-88-266del (NM_006731.2, NM_001351496.2, NM_001198963.2 and 1 more transcripts); c.-602-268_-602-266del (NM_001351502.2, NM_001351499.2, NM_001351500.2 and 1 more transcripts); c.-255-268_-255-266del (NM_001351497.2).
Identifiers: ClinVar variation 669851 (VCV000669851.1), dbSNP rs143993607, ClinGen allele CA197412681.
Genomic context (GRCh38, chr9:105,574,672, plus strand): 5'-TGGGAACTTGTCAGAAATGAAAATTCTGAGGTCTCATACCGGATTTACTGAATCAGAAAC[TGGA>T]GGAGAAAAGCACCTCTCAACCTTGTTGGTCAGTTTTTATAAATATCCTATTTATGTTTTC-3'

ClinVar aggregate classification (germline): Likely benign (1 of 4 stars; one submission).

Submission:

GeneDx
Classification: Likely benign. Last evaluated: 2018-06-19. Review status: criteria provided, single submitter. Criteria: GeneDx Variant Classification (06012015). Collection method: clinical testing. Allele origin: germline. Affected: yes.
Comment: This variant is considered likely benign or benign based on one or more of the following criteria: it is a conservative change, it occurs at a poorly conserved position in the protein, it is predicted to be benign by multiple in silico algorithms, and/or has population frequency not consistent with disease.